The following is an entry in ClinVar:

NM_181507.2(HPS5):c.2806A>G (p.Thr936Ala)

Gene: HPS5 (HPS5 biogenesis of lysosomal organelles complex 2 subunit 2; minus strand). Cytogenetic location: 11p15.1.
Variant type: single nucleotide variant.
Coding change: c.2806A>G on transcript NM_181507.2 (MANE Select); coding-DNA position 2806, A replaced by G.
Protein change: p.Thr936Ala; replaces threonine 936 with alanine.
Molecular consequence: missense variant.
Genome position (GRCh38, 1-based): chr11:18,286,622, T>C on the plus strand (A>G on the coding strand, the complement: HPS5 is on the minus strand). VCF-style: chr11-18286622-T-C. GRCh37 (hg19) VCF-style: chr11-18308169-T-C.
Other names: c.2464A>G, p.Thr822Ala (NM_007216.4, NM_181508.2); short protein forms T822A, T936A.
Identifiers: ClinVar variation 2887040 (VCV002887040.2), dbSNP rs1564931103, ClinGen allele CA379516651.

ClinVar aggregate classification (germline): Uncertain significance (1 of 4 stars; one submission).

Allele frequency attached by ClinVar (database versions not stated): gnomAD exomes below 0.00001; gnomAD 0.00001.

Submission:

Labcorp Genetics (formerly Invitae), Labcorp
Classification: Uncertain significance. Last evaluated: 2023-04-27. Review status: criteria provided, single submitter. Criteria: Invitae Variant Classification Sherloc (09022015). Collection method: clinical testing. Allele origin: germline.
Comment: This sequence change replaces threonine, which is neutral and polar, with alanine, which is neutral and non-polar, at codon 936 of the HPS5 protein (p.Thr936Ala). This variant is not present in population databases (gnomAD no frequency). This variant has not been reported in the literature in individuals affected with HPS5-related conditions. An algorithm developed to predict the effect of missense changes on protein structure and function (PolyPhen-2) suggests that this variant¬¨‚Ä† is likely to be tolerated. In summary, the available evidence is currently insufficient to determine the role of this variant in disease. Therefore, it has been classified as a Variant of Uncertain Significance.